The following is an entry in ClinVar:

ClinVar aggregate classification (germline): Uncertain significance (1 of 4 stars; one submission).

Conditions:
Familial cold autoinflammatory syndrome 3 (FCAS3). Also called: ANTIBODY DEFICIENCY AND IMMUNE DYSREGULATION, PLCG2-ASSOCIATED; FAMILIAL ATYPICAL COLD URTICARIA. Identifiers: Orphanet 300359, MedGen C3280914, MONDO:0013766, OMIM 614468.

Submission:

Labcorp Genetics (formerly Invitae), Labcorp
Classification: Uncertain significance for Familial cold autoinflammatory syndrome 3. Last evaluated: 2017-12-27. Review status: criteria provided, single submitter. Criteria: Invitae Variant Classification Sherloc (09022015). Collection method: clinical testing. Allele origin: germline.
Comment: In summary, the available evidence is currently insufficient to determine the role of this variant in disease. Therefore, it has been classified as a Variant of Uncertain Significance. Algorithms developed to predict the effect of missense changes on protein structure and function (SIFT, PolyPhen-2, Align-GVGD) all suggest that this variant is likely to be tolerated, but these predictions have not been confirmed by published functional studies and their clinical significance is uncertain. This variant has not been reported in the literature in individuals with PLCG2-related disease. This variant is not present in population databases (ExAC no frequency). This sequence change replaces glutamic acid with alanine at codon 834 of the PLCG2 protein (p.Glu834Ala). The glutamic acid residue is moderately conserved and there is a moderate physicochemical difference between glutamic acid and alanine.

NM_002661.5(PLCG2):c.2501A>C (p.Glu834Ala)

Gene: PLCG2 (phospholipase C gamma 2; plus strand). Cytogenetic location: 16q23.3.
Variant type: single nucleotide variant.
Coding change: c.2501A>C on transcript NM_002661.5 (MANE Select); coding-DNA position 2501, A replaced by C.
Protein change: p.Glu834Ala; replaces glutamic acid 834 with alanine.
Molecular consequence: missense variant.
Genome position (GRCh38, 1-based): chr16:81,927,165, A>C. VCF-style: chr16-81927165-A-C. GRCh37 (hg19) VCF-style: chr16-81960770-A-C.
Other names: short protein forms E834A.
Identifiers: ClinVar variation 540102 (VCV000540102.8), dbSNP rs754958154, ClinGen allele CA396902821.